The following is an entry in ClinVar:

NM_000492.4(CFTR):c.1552A>G (p.Arg518Gly)

Genes: CFTR (CF transmembrane conductance regulator; plus strand), CFTR-AS1 (CFTR antisense RNA 1; minus strand). Cytogenetic location: 7q31.2.
Variant type: single nucleotide variant.
Coding change: c.1552A>G on transcript NM_000492.4 (MANE Select); coding-DNA position 1552, A replaced by G.
Protein change: p.Arg518Gly; replaces arginine 518 with glycine.
Molecular consequence: missense variant.
Genome position (GRCh38, 1-based): chr7:117,559,623, A>G. VCF-style: chr7-117559623-A-G. GRCh37 (hg19) VCF-style: chr7-117199677-A-G.
Other names: c.1552A>G (NM_000492.3); short protein forms R518G.
Identifiers: ClinVar variation 596977 (VCV000596977.6), dbSNP rs1562898497, ClinGen allele CA368984882.

ClinVar aggregate classification (germline): Uncertain significance. Review status: criteria provided, multiple submitters, no conflicts (2 of 4 stars). 2 submissions from 2 submitters: Uncertain significance (2). Last evaluated 2025-11-07.

Conditions:
Cystic fibrosis (CF). Also called: MUCOVISCIDOSIS. Identifiers: Orphanet 586, MedGen C0010674, MONDO:0009061, OMIM 219700. Disease mechanism: loss of function.

Allele frequency attached by ClinVar (database versions not stated): gnomAD exomes below 0.00001; gnomAD 0.00001.
gnomAD v4.1: 3 of 1,613,364 alleles (0.00019%); highest among the groups gnomAD compares: Admixed American, 0.0017%; no homozygotes.

Submissions (2):

Ambry Genetics
Classification: Uncertain significance for Cystic fibrosis. Last evaluated: 2025-11-07. Review status: criteria provided, single submitter. Criteria: Ambry Variant Classification Scheme 2023. Collection method: clinical testing. Allele origin: germline.
Comment: The p.R518G variant (also known as c.1552A>G), located in coding exon 11 of the CFTR gene, results from an A to G substitution at nucleotide position 1552. The arginine at codon 518 is replaced by glycine, an amino acid with dissimilar properties. This amino acid position is conserved. In addition, the in silico prediction for this alteration is inconclusive. Based on the available evidence, the clinical significance of this variant remains unclear.

Eurofins Ntd Llc (ga)
Classification: Uncertain significance. Last evaluated: 2018-04-26. Review status: criteria provided, single submitter. Criteria: EGL ClinVar v180209 classification definitions. Collection method: clinical testing. Allele origin: germline. Observed: 1 variant allele, 1 heterozygote.